The following is an entry in ClinVar:

ClinVar aggregate classification (germline): Uncertain significance (1 of 4 stars; one submission).

Conditions:
Alpha thalassemia-X-linked intellectual disability syndrome (ATRX). Also called: ALPHA-THALASSEMIA/MENTAL RETARDATION SYNDROME, X-LINKED; ATR, NONDELETION TYPE; ATR-X syndrome; Alpha thalassemia mental retardation syndrome, nondeletion type, X-linked; XLMR hypotonic face syndrome; X-linked alpha-thalassemia-mental retardation syndrome. Identifiers: Orphanet 847, MedGen C1845055, MONDO:0010519, OMIM 301040.

gnomAD v4.1: 5 of 1,207,059 alleles (0.00041%); highest among the groups gnomAD compares: African/African-American, 0.0018%; no homozygotes.

Submission:

Labcorp Genetics (formerly Invitae), Labcorp
Classification: Uncertain significance for Alpha thalassemia-X-linked intellectual disability syndrome. Last evaluated: 2024-09-29. Review status: criteria provided, single submitter. Criteria: Invitae Variant Classification Sherloc (09022015). Collection method: clinical testing. Allele origin: germline.
Comment: This sequence change replaces glutamine, which is neutral and polar, with histidine, which is basic and polar, at codon 973 of the ATRX protein (p.Gln973His). This variant is not present in population databases (gnomAD no frequency). This variant has not been reported in the literature in individuals affected with ATRX-related conditions. Invitae Evidence Modeling of protein sequence and biophysical properties (such as structural, functional, and spatial information, amino acid conservation, physicochemical variation, residue mobility, and thermodynamic stability) indicates that this missense variant is not expected to disrupt ATRX protein function with a negative predictive value of 95%. In summary, the available evidence is currently insufficient to determine the role of this variant in disease. Therefore, it has been classified as a Variant of Uncertain Significance.

NM_000489.6(ATRX):c.2919G>C (p.Gln973His)

Gene: ATRX (ATRX chromatin remodeler; minus strand). Cytogenetic location: Xq21.1.
Variant type: single nucleotide variant.
Coding change: c.2919G>C on transcript NM_000489.6 (MANE Select); coding-DNA position 2919, G replaced by C.
Protein change: p.Gln973His; replaces glutamine 973 with histidine.
Molecular consequence: missense variant.
Genome position (GRCh38, 1-based): chrX:77,682,337, C>G on the plus strand (G>C on the coding strand, the complement: ATRX is on the minus strand). VCF-style: chrX-77682337-C-G. GRCh37 (hg19) VCF-style: chrX-76937829-C-G.
Other names: c.2805G>C, p.Gln935His (NM_138270.5); short protein forms Q935H, Q973H.
Identifiers: ClinVar variation 3626651 (VCV003626651.2).